The following is an entry in ClinVar:

ClinVar aggregate classification (germline): Conflicting classifications of pathogenicity. Review status: criteria provided, conflicting classifications (1 of 4 stars). 4 submissions from 4 submitters: Likely pathogenic (1); Uncertain significance (3). Last evaluated 2025-11-26.

Conditions:
Inborn genetic diseases. Identifiers: MedGen C0950123, MeSH D030342.
von Willebrand disease type 1 (VWD1). Also called: VON WILLEBRAND DISEASE, TYPE I; VWD, TYPE 1. Identifiers: Orphanet 166078, Orphanet 903, MedGen C1264039, MONDO:0008668, OMIM 193400. Inheritance: autosomal recessive or autosomal dominant.

Allele frequency attached by ClinVar (database versions not stated): gnomAD exomes below 0.00001 and 0.00002; gnomAD 0.00001; TOPMed 0.00001; ESP Exome Variant Server 0.00008.
gnomAD v4.1: 32 of 1,614,016 alleles (0.002%); highest among the groups gnomAD compares: Non-Finnish European, 0.0025%; no homozygotes.

Submissions (4):

Ambry Genetics
Classification: Uncertain significance for Inborn genetic diseases. Last evaluated: 2025-11-26. Review status: criteria provided, single submitter. Criteria: Ambry Variant Classification Scheme 2023. Collection method: clinical testing. Allele origin: germline.

Women's Health and Genetics/Laboratory Corporation of America, LabCorp
Classification: Uncertain significance. Last evaluated: 2024-10-17. Review status: criteria provided, single submitter. Criteria: LabCorp Variant Classification Summary - May 2015. Collection method: clinical testing. Allele origin: germline.
Comment: Variant summary: VWF c.338A>G (p.Tyr113Cys) results in a non-conservative amino acid change located in the von Willebrand factor, type D domain (IPR001846) of the encoded protein sequence. Four of five in-silico tools predict a damaging effect of the variant on protein function. The variant allele was found at a frequency of 4e-06 in 251488 control chromosomes (gnomAD). The available data on variant occurrences in the general population are insufficient to allow any conclusion about variant significance. To our knowledge, no occurrence of c.338A>G in individuals affected with Von Willebrand Disease and no experimental evidence demonstrating its impact on protein function have been reported. ClinVar contains an entry for this variant (Variation ID: 993130). Based on the evidence outlined above, the variant was classified as uncertain significance.

Genomic Medicine Center of Excellence, King Faisal Specialist Hospital and Research Centre
Classification: Likely pathogenic for von Willebrand disease type 1. Last evaluated: 2024-03-26. Review status: criteria provided, single submitter. Criteria: ACMG Guidelines, 2015. Collection method: clinical testing. Allele origin: germline.

Quest Diagnostics Nichols Institute San Juan Capistrano
Classification: Uncertain significance. Last evaluated: 2020-01-13. Review status: criteria provided, single submitter. Criteria: Quest Diagnostics criteria. Collection method: clinical testing. Allele origin: unknown.

NM_000552.5(VWF):c.338A>G (p.Tyr113Cys)

Gene: VWF (von Willebrand factor; minus strand). Cytogenetic location: 12p13.31.
Variant type: single nucleotide variant.
Coding change: c.338A>G on transcript NM_000552.5 (MANE Select); coding-DNA position 338, A replaced by G.
Protein change: p.Tyr113Cys; replaces tyrosine 113 with cysteine.
Molecular consequence: missense variant.
Genome position (GRCh38, 1-based): chr12:6,110,568, T>C on the plus strand (A>G on the coding strand, the complement: VWF is on the minus strand). VCF-style: chr12-6110568-T-C. GRCh37 (hg19) VCF-style: chr12-6219734-T-C.
Other names: c.338A>G (NM_000552.3); short protein forms Y113C.
Identifiers: ClinVar variation 993130 (VCV000993130.6), dbSNP rs374854636, ClinGen allele CA232363434.